The following is an entry in ClinVar:

NM_000535.7(PMS2):c.804-13T>C

Gene: PMS2 (PMS1 homolog 2, mismatch repair system component; minus strand). Cytogenetic location: 7p22.1.
Variant type: single nucleotide variant.
Coding change: c.804-13T>C on transcript NM_000535.7 (MANE Select); 13 bases into the intron before coding-DNA position 804, T replaced by C.
Molecular consequence: intron variant.
Genome position (GRCh38, 1-based): chr7:5,995,646, A>G on the plus strand (T>C on the coding strand, the complement: PMS2 is on the minus strand). VCF-style: chr7-5995646-A-G. GRCh37 (hg19) VCF-style: chr7-6035277-A-G.
Other names: c.486-13T>C (NM_001322008.2, NM_001322007.2); c.399-13T>C (NM_001322010.2, NM_001322004.2, NM_001322003.2 and 2 more transcripts); c.231-13T>C (NM_001322013.2); c.-130-13T>C (NM_001322012.2, NM_001322011.2); c.495-13T>C (NM_001322015.2); c.804-13T>C (NM_001322006.2, NM_001322014.2).
Identifiers: ClinVar variation 928442 (VCV000928442.11), dbSNP rs1562664935, ClinGen allele CA1139659572.
Genomic context (GRCh38, chr7:5,995,646, plus strand): 5'-GAACTCCTTCCAACTCCATGCGTGCATTGTGAAATGAAACCTGAGATGCTATTCAACATT[A>G]ATATGGTAAGGGCAGGATTCCAGAGTGAAAGGGATTAGAAATACGATCACATGGCACATT-3'

ClinVar aggregate classification (germline): Likely benign. Review status: criteria provided, multiple submitters, no conflicts (2 of 4 stars). 3 submissions from 3 submitters: Likely benign (3). Last evaluated 2025-01-28.

Conditions:
Hereditary nonpolyposis colorectal neoplasms. Identifiers: MedGen C0009405, MeSH D003123.
Hereditary cancer-predisposing syndrome. Also called: Neoplastic Syndromes, Hereditary; Hereditary Cancer Syndrome; Tumor predisposition; Hereditary neoplastic syndrome. Identifiers: Orphanet 140162, MedGen C0027672, MeSH D009386, MONDO:0015356.
Lynch syndrome 4 (LYNCH4). Also called: Colorectal cancer, hereditary nonpolyposis, type 4; Hereditary non-polyposis colorectal cancer, type 4. Identifiers: Orphanet 144, MedGen C1838333, MONDO:0013699, OMIM 614337. Disease mechanism: loss of function.

gnomAD v4.1: 1 of 1,559,896 alleles (0.000064%); highest among the groups gnomAD compares: Non-Finnish European, 0.000088%; no homozygotes.

Submissions (3):

Myriad Genetics, Inc.
Classification: Likely benign for Lynch syndrome 4. Last evaluated: 2025-01-28. Review status: criteria provided, single submitter. Criteria: Myriad Autosomal Dominant, Autosomal Recessive and X-Linked Classification Criteria (2023). Collection method: clinical testing. Allele origin: unknown.
Comment: This variant is considered likely benign. This variant is intronic and is not expected to impact mRNA splicing.

Labcorp Genetics (formerly Invitae), Labcorp
Classification: Likely benign for Hereditary nonpolyposis colorectal neoplasms. Last evaluated: 2021-09-25. Review status: criteria provided, single submitter. Criteria: Invitae Variant Classification Sherloc (09022015). Collection method: clinical testing. Allele origin: germline.

Color Diagnostics, LLC DBA Color Health
Classification: Likely benign for Hereditary cancer-predisposing syndrome. Last evaluated: 2019-12-02. Review status: criteria provided, single submitter. Criteria: ACMG Guidelines, 2015. Collection method: clinical testing. Allele origin: germline.